The following is an entry in ClinVar:

NM_032043.3(BRIP1):c.1149A>C (p.Leu383Phe)

Gene: BRIP1 (BRCA1 interacting DNA helicase 1; minus strand). Cytogenetic location: 17q23.2.
Variant type: single nucleotide variant.
Coding change: c.1149A>C on transcript NM_032043.3 (MANE Select); coding-DNA position 1149, A replaced by C.
Protein change: p.Leu383Phe; replaces leucine 383 with phenylalanine.
Molecular consequence: missense variant.
Genome position (GRCh38, 1-based): chr17:61,799,291, T>G on the plus strand (A>C on the coding strand, the complement: BRIP1 is on the minus strand). VCF-style: chr17-61799291-T-G. GRCh37 (hg19) VCF-style: chr17-59876652-T-G.
Other names: short protein forms L383F.
Identifiers: ClinVar variation 5033448 (VCV005033448.1).

ClinVar aggregate classification (germline): Uncertain significance (1 of 4 stars; one submission).

Conditions:
Hereditary cancer-predisposing syndrome. Also called: Neoplastic Syndromes, Hereditary; Tumor predisposition; Hereditary neoplastic syndrome; Hereditary Cancer Syndrome. Identifiers: Orphanet 140162, MedGen C0027672, MeSH D009386, MONDO:0015356.

Submission:

Ambry Genetics
Classification: Uncertain significance for Hereditary cancer-predisposing syndrome. Last evaluated: 2026-08-14. Review status: criteria provided, single submitter. Criteria: Ambry Variant Classification Scheme 2023. Collection method: clinical testing. Allele origin: germline.
Comment: The p.L383F variant (also known as c.1149A>C), located in coding exon 8 of the BRIP1 gene, results from an A to C substitution at nucleotide position 1149. The leucine at codon 383 is replaced by phenylalanine, an amino acid with highly similar properties. This amino acid position is conserved. In addition, this alteration is predicted to be tolerated by in silico analysis. Based on the available evidence, the clinical significance of this variant remains unclear.